The following is an entry in ClinVar:

GRCh38/hg38 22q11.1(chr22:16786503-16809385)x3

Gene: XKR3 (XK related 3; minus strand). Cytogenetic location: 22q11.1.
Variant type: copy number gain.
Change: copy number 3 (three copies instead of two) of chr22:16,786,503-16,809,385 (22.9 kb, GRCh38 coordinates, 1-based), cytogenetic band 22q11.1.
Identifiers: ClinVar variation 145110 (VCV000145110.1).

ClinVar aggregate classification (germline): Benign/Likely benign (0 of 4 stars; one submission).

Submission:

GeneDx
Classification: Benign/Likely benign. Last evaluated: 2011-04-30. Review status: no assertion criteria provided. Collection method: clinical testing. Allele origin: not provided. Affected: yes. Observed: 6 variant alleles. Clinical features observed: Developmental delay AND/OR other significant developmental or morphological phenotypes.
Comment: Likely benign (1), Benign (5)